The following is an entry in ClinVar:

ClinVar aggregate classification (germline): Uncertain significance (1 of 4 stars; one submission).

Conditions:
Charcot-Marie-Tooth disease type 4. Also called: Charcot-Marie-Tooth disease, type IV; Charcot-Marie-Tooth, Type 4. Identifiers: Orphanet 64749, MedGen C4082197, MONDO:0018995.

Allele frequency attached by ClinVar (database versions not stated): gnomAD exomes below 0.00001.
gnomAD v4.1: 1 of 1,612,752 alleles (0.000062%); highest among the groups gnomAD compares: Non-Finnish European, 0.000085%; no homozygotes.

Submission:

Labcorp Genetics (formerly Invitae), Labcorp
Classification: Uncertain significance for Charcot-Marie-Tooth disease type 4. Last evaluated: 2021-08-03. Review status: criteria provided, single submitter. Criteria: Invitae Variant Classification Sherloc (09022015). Collection method: clinical testing. Allele origin: germline.
Comment: In summary, the available evidence is currently insufficient to determine the role of this variant in disease. Therefore, it has been classified as a Variant of Uncertain Significance. Algorithms developed to predict the effect of missense changes on protein structure and function are either unavailable or do not agree on the potential impact of this missense change (SIFT: "Deleterious"; PolyPhen-2: "Possibly Damaging"; Align-GVGD: "Class C15"). This variant has not been reported in the literature in individuals with PRX-related conditions. This variant is not present in population databases (ExAC no frequency). This sequence change replaces glutamic acid with glycine at codon 664 of the PRX protein (p.Glu664Gly). The glutamic acid residue is highly conserved and there is a moderate physicochemical difference between glutamic acid and glycine.

NM_181882.3(PRX):c.1991A>G (p.Glu664Gly)

Gene: PRX (periaxin; minus strand). Cytogenetic location: 19q13.2.
Variant type: single nucleotide variant.
Coding change: c.1991A>G on transcript NM_181882.3 (MANE Select); coding-DNA position 1991, A replaced by G.
Protein change: p.Glu664Gly; replaces glutamic acid 664 with glycine.
Molecular consequence: missense variant. On other transcripts: 3 prime UTR variant (1).
Genome position (GRCh38, 1-based): chr19:40,396,361, T>C on the plus strand (A>G on the coding strand, the complement: PRX is on the minus strand). VCF-style: chr19-40396361-T-C. GRCh37 (hg19) VCF-style: chr19-40902268-T-C.
Other names: c.*2196A>G (NM_020956.2); short protein forms E664G.
Identifiers: ClinVar variation 944148 (VCV000944148.7), dbSNP rs758728503, ClinGen allele CA308419836.
Genomic context (GRCh38, chr19:40,396,361, plus strand): 5'-TGCACCTCGGGGAGTCGAACCTCTGGCACAGCCATCTCAGGCATTTTAGGGAGTTTCATC[T>C]CTGGGACTTTCGGGAGCTGCACTTCCGGGAGGTGCACATCGGGCACAGCCATCTCGGGCA-3'
Protein context (NP_870998.2, residues 654-674): LPEVQLPKVP[Glu664Gly]MKLPKMPEMA